The following is an entry in ClinVar:

ClinVar aggregate classification (germline): Uncertain significance (1 of 4 stars; one submission).

Conditions:
Rubinstein-Taybi syndrome (RSTS). Identifiers: Orphanet 783, MedGen C0035934, MONDO:0019188.

Allele frequency attached by ClinVar (database versions not stated): gnomAD 0.00001.
gnomAD v4.1: 3 of 1,612,966 alleles (0.00019%); highest among the groups gnomAD compares: Non-Finnish European, 0.00025%; no homozygotes.

Submission:

Labcorp Genetics (formerly Invitae), Labcorp
Classification: Uncertain significance for Rubinstein-Taybi syndrome. Last evaluated: 2022-11-02. Review status: criteria provided, single submitter. Criteria: Invitae Variant Classification Sherloc (09022015). Collection method: clinical testing. Allele origin: germline.
Comment: This sequence change replaces proline, which is neutral and non-polar, with leucine, which is neutral and non-polar, at codon 1096 of the CREBBP protein (p.Pro1096Leu). This variant is not present in population databases (gnomAD no frequency). This variant has not been reported in the literature in individuals affected with CREBBP-related conditions. Advanced modeling of protein sequence and biophysical properties (such as structural, functional, and spatial information, amino acid conservation, physicochemical variation, residue mobility, and thermodynamic stability) performed at Invitae indicates that this missense variant is expected to disrupt CREBBP protein function. In summary, the available evidence is currently insufficient to determine the role of this variant in disease. Therefore, it has been classified as a Variant of Uncertain Significance.

NM_004380.3(CREBBP):c.3287C>T (p.Pro1096Leu)

Gene: CREBBP (CREB binding lysine acetyltransferase; minus strand). Cytogenetic location: 16p13.3.
Variant type: single nucleotide variant.
Coding change: c.3287C>T on transcript NM_004380.3 (MANE Select); coding-DNA position 3287, C replaced by T.
Protein change: p.Pro1096Leu; replaces proline 1096 with leucine.
Molecular consequence: missense variant.
Genome position (GRCh38, 1-based): chr16:3,758,936, G>A on the plus strand (C>T on the coding strand, the complement: CREBBP is on the minus strand). VCF-style: chr16-3758936-G-A. GRCh37 (hg19) VCF-style: chr16-3808937-G-A.
Other names: c.3173C>T, p.Pro1058Leu (NM_001079846.1); short protein forms P1058L, P1096L.
Identifiers: ClinVar variation 2196019 (VCV002196019.4), dbSNP rs1041725492, ClinGen allele CA394569592.